The following is an entry in ClinVar:

ClinVar aggregate classification (germline): Uncertain significance (1 of 4 stars; one submission).

Conditions:
Early-infantile DEE. Also called: Early infantile epileptic encephalopathy with suppression bursts; Ohtahara syndrome; Early infantile epileptic encephalopathy. Identifiers: Orphanet 1934, MedGen C0393706, MONDO:0800491.

Submission:

Labcorp Genetics (formerly Invitae), Labcorp
Classification: Uncertain significance for Early-infantile DEE. Last evaluated: 2021-06-12. Review status: criteria provided, single submitter. Criteria: Invitae Variant Classification Sherloc (09022015). Collection method: clinical testing. Allele origin: germline.
Comment: This sequence change falls in intron 12 of the KCNQ2 gene. It does not directly change the encoded amino acid sequence of the KCNQ2 protein. It affects a nucleotide within the consensus splice site of the intron. This variant is not present in population databases (ExAC no frequency). This variant has not been reported in the literature in individuals affected with KCNQ2-related conditions. Nucleotide substitutions within the consensus splice site are a relatively common cause of aberrant splicing (PMID: 17576681, 9536098). Algorithms developed to predict the effect of sequence changes on RNA splicing suggest that this variant may disrupt the consensus splice site. In summary, the available evidence is currently insufficient to determine the role of this variant in disease. Therefore, it has been classified as a Variant of Uncertain Significance.

Literature cited by the submitters: PubMed 17576681; PubMed 9536098.

NM_172107.4(KCNQ2):c.1301+6G>T

Gene: KCNQ2 (potassium voltage-gated channel subfamily Q member 2; minus strand). Cytogenetic location: 20q13.33.
Variant type: single nucleotide variant.
Coding change: c.1301+6G>T on transcript NM_172107.4 (MANE Select); 6 bases into the intron after coding-DNA position 1301, G replaced by T.
Molecular consequence: intron variant.
Genome position (GRCh38, 1-based): chr20:63,419,613, C>A on the plus strand (G>T on the coding strand, the complement: KCNQ2 is on the minus strand). VCF-style: chr20-63419613-C-A. GRCh37 (hg19) VCF-style: chr20-62050966-C-A.
Other names: c.1218-4487G>T (NM_004518.6); c.1248-4523G>T (NM_172108.5); c.1248-4487G>T (NM_172106.3, NM_001382235.1).
Identifiers: ClinVar variation 1360490 (VCV001360490.7), dbSNP rs377304987, ClinGen allele CA636342164.